The following is an entry in ClinVar:

ClinVar aggregate classification (germline): Likely benign. Review status: criteria provided, multiple submitters, no conflicts (2 of 4 stars). 4 submissions from 4 submitters: Likely benign (4). Last evaluated 2024-12-26.

Conditions:
MDFIC-related disorder. Also called: MDFIC-related condition.

Allele frequency attached by ClinVar (database versions not stated): 1000 Genomes Project 30x 0.00047; 1000 Genomes Project 0.00060; ExAC 0.00163; gnomAD 0.00165 and 0.00166; gnomAD exomes 0.00188; TOPMed 0.00210; ESP Exome Variant Server 0.00254.
gnomAD v4.1: 3,492 of 1,600,738 alleles (0.22%); highest among the groups gnomAD compares: Middle Eastern, 0.67%; 10 homozygotes.

Submissions (4):

PreventionGenetics, part of Exact Sciences
Classification: Likely benign for MDFIC-related condition. Last evaluated: 2024-12-26. Review status: criteria provided, single submitter. Criteria: ACMG Guidelines, 2015. Collection method: clinical testing. Allele origin: germline.
Comment: This variant is classified as likely benign based on ACMG/AMP sequence variant interpretation guidelines (Richards et al. 2015 PMID: 25741868, with internal and published modifications).

Blueprint Genetics
Classification: Likely benign. Last evaluated: 2024-11-27. Review status: criteria provided, single submitter. Criteria: ACMG Guidelines, 2015. Collection method: clinical testing. Allele origin: germline.

Labcorp Genetics (formerly Invitae), Labcorp
Classification: Likely benign. Last evaluated: 2017-12-19. Review status: criteria provided, single submitter. Criteria: Invitae Variant Classification Sherloc (09022015). Collection method: clinical testing. Allele origin: germline.

Breakthrough Genomics
Classification: Likely benign. Review status: criteria provided, single submitter. Criteria: ACMG Guidelines, 2015. Collection method: not provided. Allele origin: germline. Inheritance: Autosomal recessive inheritance. Affected: yes.

NM_001166345.3(MDFIC):c.198G>A (p.Ser66=)

Gene: MDFIC (MyoD family inhibitor domain containing; plus strand). Cytogenetic location: 7q31.1.
Variant type: single nucleotide variant.
Coding change: c.198G>A on transcript NM_001166345.3 (MANE Select); coding-DNA position 198, G replaced by A.
Protein change: p.Ser66=; no amino-acid change (serine 66 retained).
Molecular consequence: synonymous variant.
Genome position (GRCh38, 1-based): chr7:114,942,378, G>A. VCF-style: chr7-114942378-G-A. GRCh37 (hg19) VCF-style: chr7-114582433-G-A.
Other names: c.525G>A, p.Ser175= (NM_199072.5).
Identifiers: ClinVar variation 770941 (VCV000770941.6), dbSNP rs138487145, ClinGen allele CA4446649.